The following is an entry in ClinVar:

ClinVar aggregate classification (germline): Uncertain significance (1 of 4 stars; one submission).

Submission:

Labcorp Genetics (formerly Invitae), Labcorp
Classification: Uncertain significance. Last evaluated: 2022-09-07. Review status: criteria provided, single submitter. Criteria: Invitae Variant Classification Sherloc (09022015). Collection method: clinical testing. Allele origin: germline.
Comment: This sequence change replaces methionine, which is neutral and non-polar, with leucine, which is neutral and non-polar, at codon 1184 of the MYO18B protein (p.Met1184Leu). This variant is present in population databases (no rsID available, gnomAD 0.003%). This variant has not been reported in the literature in individuals affected with MYO18B-related conditions. ClinVar contains an entry for this variant (Variation ID: 1447550). Algorithms developed to predict the effect of missense changes on protein structure and function are either unavailable or do not agree on the potential impact of this missense change (SIFT: "Not Available"; PolyPhen-2: "Possibly Damaging"; Align-GVGD: "Not Available"). In summary, the available evidence is currently insufficient to determine the role of this variant in disease. Therefore, it has been classified as a Variant of Uncertain Significance.

NM_032608.7(MYO18B):c.3550A>T (p.Met1184Leu)

Gene: MYO18B (myosin XVIIIB; plus strand). Cytogenetic location: 22q12.1.
Variant type: single nucleotide variant.
Coding change: c.3550A>T on transcript NM_032608.7 (MANE Select); coding-DNA position 3550, A replaced by T.
Protein change: p.Met1184Leu; replaces methionine 1184 with leucine.
Molecular consequence: missense variant.
Genome position (GRCh38, 1-based): chr22:25,846,281, A>T. VCF-style: chr22-25846281-A-T. GRCh37 (hg19) VCF-style: chr22-26242248-A-T.
Other names: c.3553A>T, p.Met1185Leu (NM_001318245.2); short protein forms M1185L, M1184L.
Identifiers: ClinVar variation 1447550 (VCV001447550.4), dbSNP rs769546012, ClinGen allele CA410999534.